The following is an entry in ClinVar:

NM_001378615.1(CC2D2A):c.2116C>T (p.Arg706Ter)

Genes: CC2D2A (coiled-coil and C2 domain containing 2A; plus strand), FBXL5 (F-box and leucine rich repeat protein 5; minus strand). Cytogenetic location: 4p15.32.
Variant type: single nucleotide variant.
Coding change: c.2116C>T on transcript NM_001378615.1 (MANE Select); coding-DNA position 2116, C replaced by T.
Protein change: p.Arg706Ter; replaces arginine 706 with a stop codon.
Molecular consequence: nonsense.
Genome position (GRCh38, 1-based): chr4:15,540,949, C>T. VCF-style: chr4-15540949-C-T. GRCh37 (hg19) VCF-style: chr4-15542572-C-T.
Other names: c.2116C>T, p.Arg706Ter (NM_001080522.2); c.1969C>T, p.Arg657Ter (NM_001378617.1); short protein forms R706*, R657*.
Identifiers: ClinVar variation 2923695 (VCV002923695.5), dbSNP rs1189294231, ClinGen allele CA356413762.

ClinVar aggregate classification (germline): Pathogenic. Review status: criteria provided, multiple submitters, no conflicts (2 of 4 stars). 3 submissions from 3 submitters: Pathogenic (3). Last evaluated 2025-03-14.

Conditions:
Joubert syndrome and related disorders. Identifiers: Orphanet 140874, MedGen C5679612, MONDO:0015369.
Joubert syndrome. Also called: JOUBERT-BOLTSHAUSER SYNDROME; Familial aplasia of the vermis. Identifiers: Orphanet 475, MedGen C5979921, MONDO:0018772.
Meckel-Gruber syndrome. Also called: DYSENCEPHALIA SPLANCHNOCYSTICA; GRUBER SYNDROME; Dysencephalia splachnocystica. Identifiers: Orphanet 564, MedGen C0265215, MONDO:0018921.

Allele frequency attached by ClinVar (database versions not stated): gnomAD exomes 0.00001.
gnomAD v4.1: 8 of 1,560,542 alleles (0.00051%); highest among the groups gnomAD compares: Non-Finnish European, 0.00061%; no homozygotes.

Submissions (3):

GeneDx
Classification: Pathogenic. Last evaluated: 2025-03-14. Review status: criteria provided, single submitter. Criteria: GeneDx Variant Classification Process June 2021. Collection method: clinical testing. Allele origin: germline. Affected: yes.
Comment: Nonsense variant predicted to result in protein truncation or nonsense mediated decay in a gene for which loss of function is a known mechanism of disease; Not observed at significant frequency in large population cohorts (gnomAD); Identified in a study of carrier frequency for autosomal recessive inherited retinal diseases in the published literature (PMID: 31964843); This variant is associated with the following publications: (PMID: 31964843)

Myriad Genetics, Inc.
Classification: Pathogenic for Joubert syndrome and related disorders. Last evaluated: 2024-09-29. Review status: criteria provided, single submitter. Criteria: Myriad Autosomal Dominant, Autosomal Recessive and X-Linked Classification Criteria (2023). Collection method: clinical testing. Allele origin: unknown.
Comment: NM_001080522.2(CC2D2A):c.2116C>T(R706*) is expected to be pathogenic in the context of CC2D2A-related disorders. This variant is predicted to lead to an abnormal or absent protein product due to the creation of a premature termination codon in CC2D2A, a gene where loss-of-function variants are known to be pathogenic. Please note: this variant was assessed in the context of healthy population screening.

Labcorp Genetics (formerly Invitae), Labcorp
Classification: Pathogenic for Joubert syndrome; Meckel-Gruber syndrome. Last evaluated: 2023-11-24. Review status: criteria provided, single submitter. Criteria: Invitae Variant Classification Sherloc (09022015). Collection method: clinical testing. Allele origin: germline.
Comment: This sequence change creates a premature translational stop signal (p.Arg706*) in the CC2D2A gene. It is expected to result in an absent or disrupted protein product. Loss-of-function variants in CC2D2A are known to be pathogenic (PMID: 19777577). This variant is present in population databases (no rsID available, gnomAD 0.003%). This variant has not been reported in the literature in individuals affected with CC2D2A-related conditions. For these reasons, this variant has been classified as Pathogenic.

Literature cited by the submitters: PubMed 19777577 (cited by Labcorp Genetics (formerly Invitae), Labcorp).